The following is an entry in ClinVar:

NM_001264.5(CDSN):c.1447G>A (p.Ala483Thr)

Genes: CDSN (corneodesmosin; minus strand), PSORS1C1 (psoriasis susceptibility 1 candidate 1; plus strand). Cytogenetic location: 6p21.33.
Variant type: single nucleotide variant.
Coding change: c.1447G>A on transcript NM_001264.5 (MANE Select); coding-DNA position 1447, G replaced by A.
Protein change: p.Ala483Thr; replaces alanine 483 with threonine.
Molecular consequence: missense variant. On other transcripts: intron variant (1).
Genome position (GRCh38, 1-based): chr6:31,116,168, C>T on the plus strand (G>A on the coding strand, the complement: CDSN is on the minus strand). VCF-style: chr6-31116168-C-T. GRCh37 (hg19) VCF-style: chr6-31083945-C-T.
Other names: c.-229+1277C>T (NM_014068.3); short protein forms A483T.
Identifiers: ClinVar variation 391650 (VCV000391650.42), dbSNP rs145583110, ClinGen allele CA3708311.
Genomic context (GRCh38, chr6:31,116,168, plus strand): 5'-GGATATCCCGGATGGAGCGGCAGGGGATCTTTCCAGCACTGCTGGAGCCACAGGGCTTGG[C>T]ACCAGCGGAGGGATCAGGATGGGGAGAGCCATCGGGGCCCCCAGTCAGTGTCAAGGAGGA-3'
Protein context (NP_001255.4, residues 473-493): GSPHPDPSAG[Ala483Thr]KPCGSSSAGK

ClinVar aggregate classification (germline): Benign/Likely benign. Review status: criteria provided, multiple submitters, no conflicts (2 of 4 stars). 5 submissions from 5 submitters: Benign (1); Likely benign (3). 1 of the submissions does not count toward it. Last evaluated 2026-01-27.

Conditions:
CDSN-related disorder. Also called: CDSN-related condition.

Allele frequency attached by ClinVar (database versions not stated): 1000 Genomes Project 0.00160; 1000 Genomes Project 30x 0.00187; ESP Exome Variant Server 0.00511; gnomAD 0.00547 and 0.00549; gnomAD exomes 0.00615 and 0.00600; ExAC 0.00657; TOPMed 0.00547.
gnomAD v4.1: 9,749 of 1,611,710 alleles (0.6%); highest among the groups gnomAD compares: Non-Finnish European, 0.74%; 73 homozygotes.

Submissions (5):

Labcorp Genetics (formerly Invitae), Labcorp
Classification: Benign. Last evaluated: 2026-01-27. Review status: criteria provided, single submitter. Criteria: Invitae Variant Classification Sherloc (09022015). Collection method: clinical testing. Allele origin: germline.

CeGaT Center for Human Genetics Tuebingen
Classification: Likely benign. Last evaluated: 2025-05-01. Review status: criteria provided, single submitter. Criteria: CeGaT Center For Human Genetics Tuebingen Variant Classification Criteria Version 2. Collection method: clinical testing. Allele origin: germline. Affected: yes. Observed: 10 variant alleles.
Comment: CDSN: BP4, BS2; PSORS1C1: BS2

GeneDx
Classification: Likely benign. Last evaluated: 2016-12-21. Review status: criteria provided, single submitter. Criteria: GeneDx Variant Classification (06012015). Collection method: clinical testing. Allele origin: germline. Affected: yes.
Comment: This variant is considered likely benign or benign based on one or more of the following criteria: it is a conservative change, it occurs at a poorly conserved position in the protein, it is predicted to be benign by multiple in silico algorithms, and/or has population frequency not consistent with disease.

Breakthrough Genomics
Classification: Likely benign. Review status: criteria provided, single submitter. Criteria: ACMG Guidelines, 2015. Collection method: not provided. Allele origin: germline. Inheritance: Autosomal recessive inheritance. Affected: yes.

PreventionGenetics, part of Exact Sciences
Classification: Benign for CDSN-related condition. Last evaluated: 2019-08-14. Review status: no assertion criteria provided. Collection method: clinical testing. Allele origin: germline. Not counted in ClinVar's aggregate classification.
Comment: This variant is classified as benign based on ACMG/AMP sequence variant interpretation guidelines (Richards et al. 2015 PMID: 25741868, with internal and published modifications).